The following is an entry in ClinVar:

ClinVar aggregate classification (germline): Uncertain significance. Review status: criteria provided, multiple submitters, no conflicts (2 of 4 stars). 2 submissions from 2 submitters: Uncertain significance (2). Last evaluated 2025-11-25.

Conditions:
Hereditary nonpolyposis colorectal neoplasms. Identifiers: MedGen C0009405, MeSH D003123.
Hereditary cancer-predisposing syndrome. Also called: Tumor predisposition; Hereditary neoplastic syndrome; Neoplastic Syndromes, Hereditary; Hereditary Cancer Syndrome. Identifiers: Orphanet 140162, MedGen C0027672, MeSH D009386, MONDO:0015356.

Allele frequency attached by ClinVar (database versions not stated): gnomAD exomes below 0.00001; TOPMed below 0.00001.
gnomAD v4.1: 2 of 1,600,172 alleles (0.00012%); highest among the groups gnomAD compares: Non-Finnish European, 0.00017%; no homozygotes.

Submissions (2):

Ambry Genetics
Classification: Uncertain significance for Hereditary cancer-predisposing syndrome. Last evaluated: 2025-11-25. Review status: criteria provided, single submitter. Criteria: Ambry Variant Classification Scheme 2023. Collection method: clinical testing. Allele origin: germline.
Comment: The p.D333A variant (also known as c.998A>C), located in coding exon 10 of the PMS2 gene, results from an A to C substitution at nucleotide position 998. The aspartic acid at codon 333 is replaced by alanine, an amino acid with dissimilar properties. This amino acid position is highly conserved in available vertebrate species. In addition, this alteration is predicted to be deleterious by in silico analysis. Since supporting evidence is limited at this time, the clinical significance of this alteration remains unclear.

Labcorp Genetics (formerly Invitae), Labcorp
Classification: Uncertain significance for Hereditary nonpolyposis colorectal neoplasms. Last evaluated: 2025-05-05. Review status: criteria provided, single submitter. Criteria: Invitae Variant Classification Sherloc (09022015). Collection method: clinical testing. Allele origin: germline.
Comment: This sequence change replaces aspartic acid, which is acidic and polar, with alanine, which is neutral and non-polar, at codon 333 of the PMS2 protein (p.Asp333Ala). This variant is present in population databases (no rsID available, gnomAD 0.0009%). This variant has not been reported in the literature in individuals affected with PMS2-related conditions. ClinVar contains an entry for this variant (Variation ID: 960401). Invitae Evidence Modeling incorporating data from in vitro experimental studies (internal data) indicates that this missense variant is expected to disrupt PMS2 function with a positive predictive value of 95%. In summary, the available evidence is currently insufficient to determine the role of this variant in disease. Therefore, it has been classified as a Variant of Uncertain Significance.

NM_000535.7(PMS2):c.998A>C (p.Asp333Ala)

Gene: PMS2 (PMS1 homolog 2, mismatch repair system component; minus strand). Cytogenetic location: 7p22.1.
Variant type: single nucleotide variant.
Coding change: c.998A>C on transcript NM_000535.7 (MANE Select); coding-DNA position 998, A replaced by C.
Protein change: p.Asp333Ala; replaces aspartic acid 333 with alanine.
Molecular consequence: missense variant. On other transcripts: non-coding transcript variant (1), intron variant (2).
Genome position (GRCh38, 1-based): chr7:5,989,946, T>G on the plus strand (A>C on the coding strand, the complement: PMS2 is on the minus strand). VCF-style: chr7-5989946-T-G. GRCh37 (hg19) VCF-style: chr7-6029577-T-G.
Other names: c.593A>C, p.Asp198Ala (NM_001322003.2, NM_001322004.2, NM_001322005.2 and 1 more transcripts); c.680A>C, p.Asp227Ala (NM_001322007.2, NM_001322008.2); c.65A>C, p.Asp22Ala (NM_001322011.2, NM_001322012.2); c.425A>C, p.Asp142Ala (NM_001322013.2); c.998A>C, p.Asp333Ala (NM_001322014.2); c.689A>C, p.Asp230Ala (NM_001322015.2); c.583+2027A>C (NM_001322010.2); c.988+2027A>C (NM_001322006.2); short protein forms D198A, D22A, D227A, D230A, D333A, D142A.
Identifiers: ClinVar variation 960401 (VCV000960401.11), dbSNP rs1187390273, ClinGen allele CA366743023.